The following is an entry in ClinVar:

NM_001987.5(ETV6):c.1347A>T (p.Glu449Asp)

Gene: ETV6 (ETS variant transcription factor 6; plus strand). Cytogenetic location: 12p13.2.
Variant type: single nucleotide variant.
Coding change: c.1347A>T on transcript NM_001987.5 (MANE Select); coding-DNA position 1347, A replaced by T.
Protein change: p.Glu449Asp; replaces glutamic acid 449 with aspartic acid.
Molecular consequence: missense variant. On other transcripts: 3 prime UTR variant (1).
Genome position (GRCh38, 1-based): chr12:11,891,034, A>T. VCF-style: chr12-11891034-A-T. GRCh37 (hg19) VCF-style: chr12-12043968-A-T.
Other names: c.1344A>T, p.Glu448Asp (NM_001413913.1); c.1320A>T, p.Glu440Asp (NM_001413914.1); c.1083A>T, p.Glu361Asp (NM_001413915.1); c.*86A>T (NM_001413917.1); short protein forms E361D, E440D, E449D, E448D.
Identifiers: ClinVar variation 4020075 (VCV004020075.1).

ClinVar aggregate classification (germline): Uncertain significance (1 of 4 stars; one submission).

Conditions:
Inborn genetic diseases. Identifiers: MedGen C0950123, MeSH D030342.

Submission:

Ambry Genetics
Classification: Uncertain significance for Inborn genetic diseases. Last evaluated: 2025-04-17. Review status: criteria provided, single submitter. Criteria: Ambry Variant Classification Scheme 2023. Collection method: clinical testing. Allele origin: germline.
Comment: The p.E449D variant (also known as c.1347A>T), located in coding exon 8 of the ETV6 gene, results from an A to T substitution at nucleotide position 1347. The glutamic acid at codon 449 is replaced by aspartic acid, an amino acid with highly similar properties. This amino acid position is conserved. In addition, this alteration is predicted to be tolerated by in silico analysis. Based on the available evidence, the clinical significance of this variant remains unclear.